The following is an entry in ClinVar:

ClinVar aggregate classification (germline): Uncertain significance (1 of 4 stars; one submission).

Allele frequency attached by ClinVar (database versions not stated): gnomAD exomes 0.00002; gnomAD 0.00007; TOPMed 0.00018.
gnomAD v4.1: 50 of 1,610,696 alleles (0.0031%); highest among the groups gnomAD compares: Admixed American, 0.02%; no homozygotes.

Submission:

Labcorp Genetics (formerly Invitae), Labcorp
Classification: Uncertain significance. Last evaluated: 2022-08-03. Review status: criteria provided, single submitter. Criteria: Invitae Variant Classification Sherloc (09022015). Collection method: clinical testing. Allele origin: germline.
Comment: This sequence change replaces arginine, which is basic and polar, with glutamine, which is neutral and polar, at codon 464 of the CREB3L1 protein (p.Arg464Gln). This variant is present in population databases (rs199553915, gnomAD 0.006%). This variant has not been reported in the literature in individuals affected with CREB3L1-related conditions. ClinVar contains an entry for this variant (Variation ID: 1399504). Algorithms developed to predict the effect of missense changes on protein structure and function output the following: SIFT: "Tolerated"; PolyPhen-2: "Benign"; Align-GVGD: "Class C0". The glutamine amino acid residue is found in multiple mammalian species, which suggests that this missense change does not adversely affect protein function. In summary, the available evidence is currently insufficient to determine the role of this variant in disease. Therefore, it has been classified as a Variant of Uncertain Significance.

NM_052854.4(CREB3L1):c.1391G>A (p.Arg464Gln)

Gene: CREB3L1 (cAMP responsive element binding protein 3 like 1; plus strand). Cytogenetic location: 11p11.2.
Variant type: single nucleotide variant.
Coding change: c.1391G>A on transcript NM_052854.4 (MANE Select); coding-DNA position 1391, G replaced by A.
Protein change: p.Arg464Gln; replaces arginine 464 with glutamine.
Molecular consequence: missense variant.
Genome position (GRCh38, 1-based): chr11:46,320,396, G>A. VCF-style: chr11-46320396-G-A. GRCh37 (hg19) VCF-style: chr11-46341947-G-A.
Other names: short protein forms R464Q.
Identifiers: ClinVar variation 1399504 (VCV001399504.3), dbSNP rs199553915, ClinGen allele CA221603313.